The following is an entry in ClinVar:

NM_001324418.2(ADAM22):c.*52A>G

Gene: ADAM22 (ADAM metallopeptidase domain 22; plus strand). Cytogenetic location: 7q21.12.
Variant type: single nucleotide variant.
Coding change: c.*52A>G on transcript NM_001324418.2 (MANE Select); 52 bases downstream of the stop codon, A replaced by G.
Molecular consequence: 3 prime UTR variant. On other transcripts: missense variant (1).
Genome position (GRCh38, 1-based): chr7:88,196,543, A>G. VCF-style: chr7-88196543-A-G. GRCh37 (hg19) VCF-style: chr7-87825858-A-G.
Other names: c.2541A>G (NM_001324421.1); c.*52A>G (NM_001324417.2, NM_001324419.2, NM_001324420.2 and 11 more transcripts); c.2541A>G, p.Ile847Met (NM_001324421.2); short protein forms I847M.
Identifiers: ClinVar variation 4896561 (VCV004896561.2).

ClinVar aggregate classification (germline): Likely benign. Review status: criteria provided, multiple submitters, no conflicts (2 of 4 stars). 2 submissions from 2 submitters: Likely benign (2). Last evaluated 2026-07-07.

Conditions:
ADAM22-related disorder. Also called: ADAM22-related condition.

gnomAD v4.1: 2,323 of 1,588,970 alleles (0.15%); highest among the groups gnomAD compares: Non-Finnish European, 0.18%; 1 homozygote.

Submissions (2):

PreventionGenetics, part of Exact Sciences
Classification: Likely benign for ADAM22-related condition. Last evaluated: 2026-07-07. Review status: criteria provided, single submitter. Criteria: ACMG Guidelines, 2015. Collection method: clinical testing. Allele origin: germline.
Comment: This variant is classified as likely benign based on ACMG/AMP sequence variant interpretation guidelines (Richards et al. 2015 PMID: 25741868, with internal and published modifications).

Blueprint Genetics
Classification: Likely benign. Last evaluated: 2024-11-27. Review status: criteria provided, single submitter. Criteria: ACMG Guidelines, 2015. Collection method: clinical testing. Allele origin: germline.